The following is an entry in ClinVar:

ClinVar aggregate classification (germline): Uncertain significance (1 of 4 stars; one submission).

Allele frequency attached by ClinVar (database versions not stated): gnomAD exomes below 0.00001.
gnomAD v4.1: 4 of 1,612,048 alleles (0.00025%); highest among the groups gnomAD compares: Non-Finnish European, 0.00034%; no homozygotes.

Submission:

Labcorp Genetics (formerly Invitae), Labcorp
Classification: Uncertain significance. Last evaluated: 2019-10-19. Review status: criteria provided, single submitter. Criteria: Invitae Variant Classification Sherloc (09022015). Collection method: clinical testing. Allele origin: germline.
Comment: This sequence change falls in intron 4 of the PCDH15 gene. It does not directly change the encoded amino acid sequence of the PCDH15 protein. This variant is not present in population databases (ExAC no frequency). This variant has not been reported in the literature in individuals with PCDH15-related conditions. Algorithms developed to predict the effect of sequence changes on RNA splicing suggest that this variant may disrupt the consensus splice site, but this prediction has not been confirmed by published transcriptional studies. In summary, the available evidence is currently insufficient to determine the role of this variant in disease. Therefore, it has been classified as a Variant of Uncertain Significance.

NM_001384140.1(PCDH15):c.319-5T>G

Gene: PCDH15 (protocadherin related 15; minus strand). Cytogenetic location: 10q21.1.
Variant type: single nucleotide variant.
Coding change: c.319-5T>G on transcript NM_001384140.1 (MANE Select); 5 bases into the intron before coding-DNA position 319, T replaced by G.
Molecular consequence: intron variant.
Genome position (GRCh38, 1-based): chr10:54,369,280, A>C on the plus strand (T>G on the coding strand, the complement: PCDH15 is on the minus strand). VCF-style: chr10-54369280-A-C. GRCh37 (hg19) VCF-style: chr10-56129040-A-C.
Other names: c.319-5T>G (NM_001354420.2, NM_001354429.2, NM_001142772.2 and 8 more transcripts); c.334-5T>G (NM_001142771.2, NM_001142769.3, NM_001142763.2); c.253-5T>G (NM_001354404.2, NM_001142773.2, NM_001142768.2).
Identifiers: ClinVar variation 953895 (VCV000953895.9), dbSNP rs551311438, ClinGen allele CA207587195.